The following is an entry in ClinVar:

NC_000005.10:g.112850821A>C

Variant type: single nucleotide variant.
Genome position: GRCh38 VCF-style: chr5-112850821-A-C. GRCh37 (hg19) VCF-style: chr5-112186518-A-C.
Identifiers: ClinVar variation 82657 (VCV000082657.3), dbSNP rs75756946, ClinGen allele CA250797.

ClinVar aggregate classification (germline): other (0 of 4 stars; one submission).

Conditions:
Familial colorectal cancer. Identifiers: MedGen CN280943, MONDO:0023113. Disease mechanism: loss of function.

Submission:

Systems Biology Platform Zhejiang California International NanoSystems Institute
Classification: other for Familial colorectal cancer. Review status: no assertion criteria provided. Collection method: not provided. Allele origin: unknown.
ClinVar note: Converted during submission from cancer to other.